The following is an entry in ClinVar:

NM_152564.5(VPS13B):c.10937T>G (p.Val3646Gly)

Gene: VPS13B (vacuolar protein sorting 13 homolog B; plus strand). Cytogenetic location: 8q22.2.
Variant type: single nucleotide variant.
Coding change: c.10937T>G on transcript NM_152564.5 (MANE Select); coding-DNA position 10937, T replaced by G.
Protein change: p.Val3646Gly; replaces valine 3646 with glycine.
Molecular consequence: missense variant.
Genome position (GRCh38, 1-based): chr8:99,859,373, T>G. VCF-style: chr8-99859373-T-G. GRCh37 (hg19) VCF-style: chr8-100871601-T-G.
Other names: c.11012T>G, p.Val3671Gly (NM_017890.5); short protein forms V3671G, V3646G.
Identifiers: ClinVar variation 3021645 (VCV003021645.3), dbSNP rs1588794218, ClinGen allele CA371789117.
Genomic context (GRCh38, chr8:99,859,373, plus strand): 5'-TTGGGTCTCTGGATATTCTTGGCAGCCCTGCAAGCCTGGTGAGAAGCATCGGGAACGGGG[T>G]CGCCGACTTCTTCAGGCTTCCGTATGAGGGGCTGACCCGGGGCCCTGGAGCCTTCGTGAG-3'
Protein context (NP_689777.3, residues 3636-3656): ASLVRSIGNG[Val3646Gly]ADFFRLPYEG

ClinVar aggregate classification (germline): Uncertain significance (1 of 4 stars; one submission).

Conditions:
Cohen syndrome (COH1). Also called: Cutis verticis gyrata, retinitis pigmentosa, and sensorineural deafness; PEPPER SYNDROME. Identifiers: Orphanet 193, MedGen C0265223, MONDO:0008999, OMIM 216550.

Submission:

Labcorp Genetics (formerly Invitae), Labcorp
Classification: Uncertain significance for Cohen syndrome. Last evaluated: 2025-03-03. Review status: criteria provided, single submitter. Criteria: Invitae Variant Classification Sherloc (09022015). Collection method: clinical testing. Allele origin: germline.
Comment: This sequence change replaces valine, which is neutral and non-polar, with glycine, which is neutral and non-polar, at codon 3671 of the VPS13B protein (p.Val3671Gly). This variant is not present in population databases (gnomAD no frequency). This variant has not been reported in the literature in individuals affected with VPS13B-related conditions. ClinVar contains an entry for this variant (Variation ID: 3021645). Invitae Evidence Modeling of protein sequence and biophysical properties (such as structural, functional, and spatial information, amino acid conservation, physicochemical variation, residue mobility, and thermodynamic stability) has been performed for this missense variant. However, the output from this modeling did not meet the statistical confidence thresholds required to predict the impact of this variant on VPS13B protein function. In summary, the available evidence is currently insufficient to determine the role of this variant in disease. Therefore, it has been classified as a Variant of Uncertain Significance.